The following is an entry in ClinVar:

ClinVar aggregate classification (germline): Uncertain significance. Review status: criteria provided, multiple submitters, no conflicts (2 of 4 stars). 2 submissions from 2 submitters: Uncertain significance (2). Last evaluated 2026-02-03.

Allele frequency attached by ClinVar (database versions not stated): gnomAD exomes below 0.00001.

Submissions (2):

GeneDx
Classification: Uncertain significance. Last evaluated: 2026-02-03. Review status: criteria provided, single submitter. Criteria: GeneDx Variant Classification Process June 2021. Collection method: clinical testing. Allele origin: germline.
Comment: Not observed at significant frequency in large population cohorts (gnomAD); In silico analysis suggests that this missense variant does not alter protein structure/function; Has not been previously published as pathogenic or benign to our knowledge

Labcorp Genetics (formerly Invitae), Labcorp
Classification: Uncertain significance. Last evaluated: 2022-09-27. Review status: criteria provided, single submitter. Criteria: Invitae Variant Classification Sherloc (09022015). Collection method: clinical testing. Allele origin: germline.
Comment: Advanced modeling of protein sequence and biophysical properties (such as structural, functional, and spatial information, amino acid conservation, physicochemical variation, residue mobility, and thermodynamic stability) performed at Invitae indicates that this missense variant is not expected to disrupt SZT2 protein function. In summary, the available evidence is currently insufficient to determine the role of this variant in disease. Therefore, it has been classified as a Variant of Uncertain Significance. This variant has not been reported in the literature in individuals affected with SZT2-related conditions. This variant is not present in population databases (gnomAD no frequency). This sequence change replaces alanine, which is neutral and non-polar, with threonine, which is neutral and polar, at codon 3196 of the SZT2 protein (p.Ala3196Thr).

NM_001365999.1(SZT2):c.9757G>A (p.Ala3253Thr)

Genes: SZT2 (SZT2 subunit of KICSTOR complex; plus strand), SZT2-AS1 (SZT2 antisense RNA 1; minus strand). Cytogenetic location: 1p34.2.
Variant type: single nucleotide variant.
Coding change: c.9757G>A on transcript NM_001365999.1 (MANE Select); coding-DNA position 9757, G replaced by A.
Protein change: p.Ala3253Thr; replaces alanine 3253 with threonine.
Molecular consequence: missense variant. On other transcripts: non-coding transcript variant (1).
Genome position (GRCh38, 1-based): chr1:43,448,272, G>A. VCF-style: chr1-43448272-G-A. GRCh37 (hg19) VCF-style: chr1-43913943-G-A.
Other names: c.9586G>A, p.Ala3196Thr (NM_015284.4); c.1198G>A, p.Ala400Thr (NM_024547.1); c.9586G>A (NM_015284.3); short protein forms A400T, A3196T, A3253T.
Identifiers: ClinVar variation 2014745 (VCV002014745.5), dbSNP rs2545870013, ClinGen allele CA340044486.